The following is an entry in ClinVar:

NM_003907.3(EIF2B5):c.791_792insAC (p.Phe264fs)

Gene: EIF2B5 (eukaryotic translation initiation factor 2B subunit epsilon; plus strand). Cytogenetic location: 3q27.1.
Variant type: Insertion.
Coding change: c.791_792insAC on transcript NM_003907.3 (MANE Select); coding-DNA positions 791 to 792, AC inserted.
Protein change: p.Phe264fs; shifts the reading frame from phenylalanine 264.
Molecular consequence: frameshift variant.
Genome position: GRCh38 VCF-style: chr3-184140105-T-TAC. GRCh37 (hg19) VCF-style: chr3-183857893-T-TAC.
Other names: short protein forms F264fs.
Identifiers: ClinVar variation 4531885 (VCV004531885.1).
Genomic context (GRCh38, chr3:184,140,105, plus strand): 5'-ACTTAATTCTAGCCCACTCCACTTCCCTTCCACAGGTGGCACAACTCTTTACAGACAACT[T>TAC]TGACTACCAAACTCGAGATGACTTTGTGCGAGGTCTCTTAGTGAATGAGGAGGTGAGAAA-3'

ClinVar aggregate classification (germline): Pathogenic (1 of 4 stars; one submission).

Conditions:
Leukoencephalopathy with vanishing white matter 5 (VWM5). Also called: Leukoencephalopathy with vanishing white matter 5, with or without ovarian failure; EIF2B5-Related Childhood Ataxia with Central Nervous System Hypomyelination/Vanishing White Matter. Identifiers: MedGen C5779973, MONDO:0957873, OMIM 620315.

Submission:

Victorian Clinical Genetics Services, Murdoch Childrens Research Institute
Classification: Pathogenic for Leukoencephalopathy with vanishing white matter 5. Last evaluated: 2025-07-17. Review status: criteria provided, single submitter. Criteria: ACMG Guidelines, 2015. Collection method: clinical testing. Allele origin: germline. Affected: yes.
Comment: This variant is classified as Pathogenic. Evidence in support of pathogenic classification: Variant is predicted to cause nonsense-mediated decay (NMD) and loss of protein (premature termination codon is located at least 54 nucleotides upstream of the final exon-exon junction); Variant is present in gnomAD <0.01 for a recessive condition (v4: 9 heterozygote(s), 0 homozygote(s)); This variant has limited previous evidence of pathogenicity in an unrelated individual(s). An alternative variant resulting in the same predicted protein outcome, c.792delinsACA, has been classified as pathogenic by a clinical laboratory in ClinVar, and has been reported in the literature with a second pathogenic variant in two individuals with leukoencephalopathy with vanishing white matter (PMID: 11704758); Other NMD predicted variant(s) comparable to the one identified in this case have very strong previous evidence for pathogenicity (DECIPHER). Additional information: This variant is heterozygous; This gene is associated with autosomal recessive disease; No published evidence of segregation with disease has been identified for this variant; Loss of function is a known mechanism of disease in this gene and is associated with leukoencephalopathy with vanishing white matter 5, with or without ovarian failure (MIM#620315).

Literature cited by the submitters: PubMed 11704758.